The following is an entry in ClinVar:

ClinVar aggregate classification (germline): Pathogenic (1 of 4 stars; one submission).

Conditions:
Neurodevelopmental disorder with dysmorphic facies and distal limb anomalies. Identifiers: Orphanet 686482, MedGen C4540327, MONDO:0060596, OMIM 617755.

Submission:

Victorian Clinical Genetics Services, Murdoch Childrens Research Institute
Classification: Pathogenic for Neurodevelopmental disorder with dysmorphic facies and distal limb anomalies. Last evaluated: 2024-09-20. Review status: criteria provided, single submitter. Criteria: ACMG Guidelines, 2015. Collection method: clinical testing. Allele origin: germline. Inheritance: Autosomal dominant inheritance. Affected: yes.
Comment: Based on the classification scheme VCGS_Germline_v1.3.4, this variant is classified as Pathogenic. Following criteria are met: 0102 - Loss of function is a known mechanism of disease in this gene and is associated with neurodevelopmental disorder with dysmorphic facies and distal limb anomalies (MIM#617755). (I) 0107 - This gene is associated with autosomal dominant disease. (I) 0201 - Variant is predicted to cause nonsense-mediated decay (NMD) and loss of protein (premature termination codon is located at least 54 nucleotides upstream of the final exon-exon junction). (SP) 0251 - This variant is heterozygous. (I) 0301 - Variant is absent from gnomAD (both v2 and v3). (SP) 0701 - Other NMD predicted variants comparable to the one identified in this case have very strong previous evidence for pathogenicity (DECIPHER). (SP) 0807 - This variant has no previous evidence of pathogenicity. (I) 0905 - No published segregation evidence has been identified for this variant. (I) 1007 - No published functional evidence has been identified for this variant. (SP) Legend: (SP) - Supporting pathogenic, (I) - Information, (SB) - Supporting benign

NM_182641.4(BPTF):c.3157_3158del (p.Lys1053fs)

Gene: BPTF (bromodomain PHD finger transcription factor; plus strand). Cytogenetic location: 17q24.2.
Variant type: Deletion.
Coding change: c.3157_3158del on transcript NM_182641.4 (MANE Select); coding-DNA positions 3157 to 3158, 2 bases deleted (AA; older notation c.3157_3158delAA).
Protein change: p.Lys1053fs; shifts the reading frame from lysine 1053.
Molecular consequence: frameshift variant.
Genome position (GRCh38, 1-based): chr17:67,911,041-67,911,042, AA deleted; deleting any 2 consecutive bases within chr17:67,911,038-67,911,042 gives the same sequence; the c. name uses the placement nearest the transcript's 3' end. VCF-style (leftmost placement, unchanged base first): chr17-67911037-CAA-C. GRCh37 (hg19) VCF-style: chr17-65907153-CAA-C.
Other names: c.3535_3536del, p.Lys1179fs (NM_004459.7); short protein forms K1053fs, K1179fs.
Identifiers: ClinVar variation 3254960 (VCV003254960.2), dbSNP rs2511450754.